The following is an entry in ClinVar:

NM_001081.4(CUBN):c.6797G>A (p.Arg2266Gln)

Gene: CUBN (cubilin; minus strand). Cytogenetic location: 10p13.
Variant type: single nucleotide variant.
Coding change: c.6797G>A on transcript NM_001081.4 (MANE Select); coding-DNA position 6797, G replaced by A.
Protein change: p.Arg2266Gln; replaces arginine 2266 with glutamine.
Molecular consequence: missense variant.
Genome position (GRCh38, 1-based): chr10:16,919,987, C>T on the plus strand (G>A on the coding strand, the complement: CUBN is on the minus strand). VCF-style: chr10-16919987-C-T. GRCh37 (hg19) VCF-style: chr10-16961986-C-T.
Other names: short protein forms R2266Q.
Identifiers: ClinVar variation 1389607 (VCV001389607.8), dbSNP rs1437222146, ClinGen allele CA376148644.

ClinVar aggregate classification (germline): Uncertain significance (1 of 4 stars; one submission).

Conditions:
Imerslund-Grasbeck syndrome. Also called: Megaloblastic anemia due to inborn errors of metabolism; ENTEROCYTE COBALAMIN MALABSORPTION; ENTEROCYTE INTRINSIC FACTOR RECEPTOR, DEFECT OF; PERNICIOUS ANEMIA, JUVENILE, DUE TO SELECTIVE INTESTINAL MALABSORPTION OF VITAMIN B12, WITH PROTEINURIA; Imerslund-Gräsbeck syndrome. Identifiers: Orphanet 35858, MedGen C4551825, MONDO:0009853.

Allele frequency attached by ClinVar (database versions not stated): gnomAD exomes below 0.00001; TOPMed 0.00002.
gnomAD v4.1: 8 of 1,613,402 alleles (0.0005%); highest among the groups gnomAD compares: East Asian, 0.0045%; no homozygotes.

Submission:

Labcorp Genetics (formerly Invitae), Labcorp
Classification: Uncertain significance for Imerslund-Grasbeck syndrome. Last evaluated: 2026-01-07. Review status: criteria provided, single submitter. Criteria: Invitae Variant Classification Sherloc (09022015). Collection method: clinical testing. Allele origin: germline.
Comment: This sequence change replaces arginine, which is basic and polar, with glutamine, which is neutral and polar, at codon 2266 of the CUBN protein (p.Arg2266Gln). This variant is present in population databases (no rsID available, gnomAD 0.0009%). This variant has not been reported in the literature in individuals affected with CUBN-related conditions. ClinVar contains an entry for this variant (Variation ID: 1389607). Invitae Evidence Modeling of protein sequence and biophysical properties (such as structural, functional, and spatial information, amino acid conservation, physicochemical variation, residue mobility, and thermodynamic stability) indicates that this missense variant is not expected to disrupt CUBN protein function with a negative predictive value of 80%. In summary, the available evidence is currently insufficient to determine the role of this variant in disease. Therefore, it has been classified as a Variant of Uncertain Significance.